The following is an entry in ClinVar:

NM_001371928.1(AHDC1):c.4497C>T (p.Cys1499=)

Gene: AHDC1 (AT-hook DNA binding motif containing 1; minus strand). Cytogenetic location: 1p36.11.
Variant type: single nucleotide variant.
Coding change: c.4497C>T on transcript NM_001371928.1 (MANE Select); coding-DNA position 4497, C replaced by T.
Protein change: p.Cys1499=; no amino-acid change (cysteine 1499 retained).
Molecular consequence: synonymous variant.
Genome position (GRCh38, 1-based): chr1:27,547,619, G>A on the plus strand (C>T on the coding strand, the complement: AHDC1 is on the minus strand). VCF-style: chr1-27547619-G-A. GRCh37 (hg19) VCF-style: chr1-27874130-G-A.
Other names: c.4497C>T, p.Cys1499= (NM_001029882.3); c.453C>T, p.Cys151= (NM_015699.1).
Identifiers: ClinVar variation 2982654 (VCV002982654.23), dbSNP rs747135569, ClinGen allele CA715348.
Genomic context (GRCh38, chr1:27,547,619, plus strand): 5'-CAGTGGCTCCTTGTCGGCCTTGGGCGTGGCTGGTGGGCTAGCCAGGTGAGGGGCACTGAG[G>A]CACGCGGCCTCCGTCCTGCCCAGGAAGTCAGCCAGCAGCCCTGTACCCACCTTGCCTTCA-3'
Protein context (NP_001358857.1, residues 1489-1509): ADFLGRTEAA[Cys1499=]LSAPHLASPP

ClinVar aggregate classification (germline): Likely benign. Review status: criteria provided, multiple submitters, no conflicts (2 of 4 stars). 2 submissions from 2 submitters: Likely benign (2). Last evaluated 2025-07-02.

Allele frequency attached by ClinVar (database versions not stated): TOPMed 0.00002; gnomAD exomes 0.00003; ExAC 0.00004; gnomAD 0.00005.
gnomAD v4.1: 52 of 1,602,116 alleles (0.0032%); highest among the groups gnomAD compares: Middle Eastern, 0.052%; 1 homozygote.

Submissions (2):

Labcorp Genetics (formerly Invitae), Labcorp
Classification: Likely benign. Last evaluated: 2025-07-02. Review status: criteria provided, single submitter. Criteria: Invitae Variant Classification Sherloc (09022015). Collection method: clinical testing. Allele origin: germline.

CeGaT Center for Human Genetics Tuebingen
Classification: Likely benign. Last evaluated: 2024-04-01. Review status: criteria provided, single submitter. Criteria: CeGaT Center For Human Genetics Tuebingen Variant Classification Criteria Version 2. Collection method: clinical testing. Allele origin: germline. Affected: yes. Observed: 1 variant allele.
Comment: AHDC1: BP4